The following is an entry in ClinVar:

ClinVar aggregate classification (germline): Likely pathogenic. Review status: criteria provided, multiple submitters, no conflicts (2 of 4 stars). 3 submissions from 3 submitters: Likely pathogenic (2). 1 of the submissions does not count toward it. Last evaluated 2024-08-07.

Conditions:
Megalencephalic leukoencephalopathy with subcortical cysts 1 (MLC1). Also called: LEUKOENCEPHALOPATHY WITH SWELLING AND CYSTS; VACUOLATING MEGALENCEPHALIC LEUKOENCEPHALOPATHY WITH SUBCORTICAL CYSTS. Identifiers: Orphanet 2478, MedGen C5779875, MONDO:0024555, OMIM 604004.
Megalencephalic leukoencephalopathy with subcortical cysts. Also called: VAN DER KNAAP DISEASE. Identifiers: Orphanet 2478, MedGen C1858854, MONDO:0011391.

Submissions (3):

Women's Health and Genetics/Laboratory Corporation of America, LabCorp
Classification: Likely pathogenic for Megalencephalic leukoencephalopathy with subcortical cysts. Last evaluated: 2024-08-07. Review status: criteria provided, single submitter. Criteria: LabCorp Variant Classification Summary - May 2015. Collection method: clinical testing. Allele origin: germline.
Comment: Variant summary: MLC1 c.634G>C (p.Gly212Arg) results in a non-conservative amino acid change in the encoded protein sequence. Five of five in-silico tools predict a damaging effect of the variant on protein function. The variant was absent in 250780 control chromosomes. c.634G>C has been reported in the literature in at least one biallelic individual affected with Megalencephalic Leukoencephalopathy With Subcortical Cysts 1 (e.g. Duarri_2008). One publication reports experimental evidence evaluating an impact on protein function showing reduced expression of the MLC1 protein at the plasma membrane in vitro (e.g. Teijido_2004), however, does not allow convincing conclusions about the variant effect. A different variant resulting in the same amino acid change (c.634G>A, p.Gly212Arg) has been previously classified as Likely pathogenic by our lab. ClinVar contains an entry for this variant (Variation ID: 553381). Based on the evidence outlined above, the variant was classified as likely pathogenic.

Baylor Genetics
Classification: Likely pathogenic for Megalencephalic leukoencephalopathy with subcortical cysts 1. Last evaluated: 2023-01-30. Review status: criteria provided, single submitter. Criteria: ACMG Guidelines, 2015. Collection method: clinical testing. Allele origin: unknown.

Counsyl
Classification: Likely pathogenic for Megalencephalic leukoencephalopathy with subcortical cysts 1. Last evaluated: 2017-08-16. Review status: no assertion criteria provided. Collection method: clinical testing. Allele origin: unknown. Not counted in ClinVar's aggregate classification.

Literature cited by the submitters: PubMed 18757878 (cited by Women's Health and Genetics/Laboratory Corporation of America, LabCorp and Counsyl); PubMed 15367490 (cited by Women's Health and Genetics/Laboratory Corporation of America, LabCorp and Counsyl).

NM_015166.4(MLC1):c.634G>C (p.Gly212Arg)

Gene: MLC1 (modulator of VRAC current 1; minus strand). Cytogenetic location: 22q13.33.
Variant type: single nucleotide variant.
Coding change: c.634G>C on transcript NM_015166.4 (MANE Select); coding-DNA position 634, G replaced by C.
Protein change: p.Gly212Arg; replaces glycine 212 with arginine.
Molecular consequence: missense variant. On other transcripts: non-coding transcript variant (3).
Genome position (GRCh38, 1-based): chr22:50,074,296, C>G on the plus strand (G>C on the coding strand, the complement: MLC1 is on the minus strand). VCF-style: chr22-50074296-C-G. GRCh37 (hg19) VCF-style: chr22-50512725-C-G.
Other names: c.634G>C, p.Gly212Arg (NM_001376472.1, NM_001376473.1, NM_001376474.1 and 6 more transcripts); c.544G>C, p.Gly182Arg (NM_001376480.1); c.532G>C, p.Gly178Arg (NM_001376481.1); c.478G>C, p.Gly160Arg (NM_001376482.1, NM_001376483.1); c.397G>C, p.Gly133Arg (NM_001376484.1); short protein forms G212R, G133R, G160R, G178R, G182R.
Identifiers: ClinVar variation 553381 (VCV000553381.4), dbSNP rs281875317, ClinGen allele CA412109345.